The following is an entry in ClinVar:

ClinVar aggregate classification (germline): Uncertain significance (1 of 4 stars; one submission).

Submission:

Women's Health and Genetics/Laboratory Corporation of America, LabCorp
Classification: Uncertain significance. Last evaluated: 2024-12-10. Review status: criteria provided, single submitter. Criteria: LabCorp Variant Classification Summary - May 2015. Collection method: clinical testing. Allele origin: germline.
Comment: Variant summary: The variant involves the duplication of exons 3-5 in the PRKG1 gene. A presumed nomenclature of c.(478+1_479-1)_(762+1_763-1)dup has been designated for the purposes of this classification. It is assumed to be a tandem duplication in direct orientation (PMIDs: 25640679, 30054569). This Copy Number Variant (CNV) is expected to alter the reading frame and predicted to result in a truncation or absence of the encoded protein due to nonsense mediated decay (NMD). However, the molecular mechanism of disease attributed to PRKG1 is gain of function. The variant allele was found at a frequency of 9.2e-05 in 21694 control chromosomes. The available data on variant occurrences in the general population are insufficient to allow any conclusion about variant significance. To our knowledge, no occurrence of c.(478+1_479-1)_(762+1_763-1)dup in individuals affected with Thoracic Aortic Aneurysms And Dissections and no experimental evidence demonstrating its impact on protein function have been reported. ClinVar contains an entry for this variant (Variation ID: 2425547). Based on the evidence outlined above, the variant was classified as uncertain significance.

NC_000010.10:g.(52913091_53227482)_(53667331_53814243)dup

Genes: CSTF2T (cleavage stimulation factor subunit 2 tau variant; minus strand), PRKG1 (protein kinase cGMP-dependent 1; plus strand). Cytogenetic location: 10q21.1.
Variant type: Duplication.
Identifiers: ClinVar variation 3768134 (VCV003768134.1).